The following is an entry in ClinVar:

ClinVar aggregate classification (germline): Benign/Likely benign. Review status: criteria provided, multiple submitters, no conflicts (2 of 4 stars). 2 submissions from 2 submitters: Benign (1); Likely benign (1). Last evaluated 2026-06-30.

Conditions:
Sessile serrated polyposis cancer syndrome (SSPCS). Identifiers: Orphanet 157798, MedGen C4310714, MONDO:0014919, OMIM 617108.

Submissions (2):

Myriad Genetics, Inc.
Classification: Benign for Sessile serrated polyposis cancer syndrome. Last evaluated: 2026-06-30. Review status: criteria provided, single submitter. Criteria: Myriad Autosomal Dominant, Autosomal Recessive and X-Linked Classification Criteria (2023). Collection method: clinical testing. Allele origin: unknown.
Comment: This variant is considered benign. This variant is a silent/synonymous amino acid change and it is not expected to impact splicing.

Ambry Genetics
Classification: Likely benign. Last evaluated: 2025-06-12. Review status: criteria provided, single submitter. Criteria: Ambry Variant Classification Scheme 2023. Collection method: clinical testing. Allele origin: germline.

NM_017763.6(RNF43):c.717C>G (p.Ala239=)

Gene: RNF43 (ring finger protein 43; minus strand). Cytogenetic location: 17q22.
Variant type: single nucleotide variant.
Coding change: c.717C>G on transcript NM_017763.6 (MANE Select); coding-DNA position 717, C replaced by G.
Protein change: p.Ala239=; no amino-acid change (alanine 239 retained).
Molecular consequence: synonymous variant.
Genome position (GRCh38, 1-based): chr17:58,360,915, G>C on the plus strand (C>G on the coding strand, the complement: RNF43 is on the minus strand). VCF-style: chr17-58360915-G-C. GRCh37 (hg19) VCF-style: chr17-56438276-G-C.
Other names: c.717C>G, p.Ala239= (NM_001305544.3); c.336C>G, p.Ala112= (NM_001305545.2).
Identifiers: ClinVar variation 3946940 (VCV003946940.2).